The following is an entry in ClinVar:

NM_182961.4(SYNE1):c.22346+6G>T

Gene: SYNE1 (spectrin repeat containing nuclear envelope protein 1; minus strand). Cytogenetic location: 6q25.2.
Variant type: single nucleotide variant.
Coding change: c.22346+6G>T on transcript NM_182961.4 (MANE Select); 6 bases into the intron after coding-DNA position 22346, G replaced by T.
Molecular consequence: intron variant.
Genome position (GRCh38, 1-based): chr6:152,214,900, C>A on the plus strand (G>T on the coding strand, the complement: SYNE1 is on the minus strand). VCF-style: chr6-152214900-C-A. GRCh37 (hg19) VCF-style: chr6-152536035-C-A.
Other names: c.22133+6G>T (NM_033071.5).
Identifiers: ClinVar variation 283751 (VCV000283751.25), dbSNP rs368678916, ClinGen allele CA4053908.

ClinVar aggregate classification (germline): Conflicting classifications of pathogenicity. Review status: criteria provided, conflicting classifications (1 of 4 stars). 6 submissions from 6 submitters: Uncertain significance (5); Likely benign (1). Last evaluated 2026-07-01.

Conditions:
Autosomal recessive ataxia, Beauce type. Also called: ATAXIA, RECESSIVE, OF BEAUCE; SYNE1-Related Autosomal Recessive Cerebellar Ataxia; Spinocerebellar ataxia, autosomal recessive 8; SYNE1 Deficiency. Identifiers: Orphanet 88644, MedGen C1853116, MONDO:0012549, OMIM 610743.
Emery-Dreifuss muscular dystrophy 4, autosomal dominant (EDMD4). Also called: EMERY-DREIFUSS MUSCULAR DYSTROPHY 4 WITH VARIABLE FEATURES. Identifiers: Orphanet 261, MedGen C2751807, MONDO:0013071, OMIM 612998.

Allele frequency attached by ClinVar (database versions not stated): gnomAD exomes 0.00015 and 0.00022; ExAC 0.00017; TOPMed 0.00018; gnomAD 0.00019 and 0.00020; ESP Exome Variant Server 0.00031.
gnomAD v4.1: 338 of 1,613,996 alleles (0.021%); highest among the groups gnomAD compares: Non-Finnish European, 0.027%; no homozygotes.

Submissions (6):

CeGaT Center for Human Genetics Tuebingen
Classification: Likely benign. Last evaluated: 2026-07-01. Review status: criteria provided, single submitter. Criteria: CeGaT Center For Human Genetics Tuebingen Variant Classification Criteria Version 2. Collection method: clinical testing. Allele origin: germline. Affected: yes. Observed: 2 variant alleles.
Comment: SYNE1: BP4

Athena Diagnostics
Classification: Uncertain significance. Last evaluated: 2024-07-15. Review status: criteria provided, single submitter. Criteria: Athena Diagnostics Criteria. Collection method: clinical testing. Allele origin: unknown.

Labcorp Genetics (formerly Invitae), Labcorp
Classification: Uncertain significance for Emery-Dreifuss muscular dystrophy 4, autosomal dominant; Autosomal recessive ataxia, Beauce type. Last evaluated: 2022-09-19. Review status: criteria provided, single submitter. Criteria: Invitae Variant Classification Sherloc (09022015). Collection method: clinical testing. Allele origin: germline.
Comment: This sequence change falls in intron 121 of the SYNE1 gene. It does not directly change the encoded amino acid sequence of the SYNE1 protein. It affects a nucleotide within the consensus splice site. This variant is present in population databases (rs368678916, gnomAD 0.03%). This variant has not been reported in the literature in individuals affected with SYNE1-related conditions. ClinVar contains an entry for this variant (Variation ID: 283751). Variants that disrupt the consensus splice site are a relatively common cause of aberrant splicing (PMID: 17576681, 9536098). Algorithms developed to predict the effect of sequence changes on RNA splicing suggest that this variant is not likely to affect RNA splicing. In summary, the available evidence is currently insufficient to determine the role of this variant in disease. Therefore, it has been classified as a Variant of Uncertain Significance.

Mayo Clinic Laboratories, Mayo Clinic
Classification: Uncertain significance. Last evaluated: 2021-04-13. Review status: criteria provided, single submitter. Criteria: ACMG Guidelines, 2015. Collection method: clinical testing. Allele origin: germline.

Eurofins Ntd Llc (ga)
Classification: Uncertain significance. Last evaluated: 2016-08-30. Review status: criteria provided, single submitter. Criteria: EGL Classification Definitions 2015. Collection method: clinical testing. Allele origin: germline. Observed: 4 variant alleles, 3 heterozygotes.

Genetic Services Laboratory, University of Chicago
Classification: Uncertain significance. Last evaluated: 2016-04-27. Review status: criteria provided, single submitter. Criteria: ACMG Guidelines, 2015. Collection method: clinical testing. Allele origin: germline. Affected: no.

Literature cited by the submitters: PubMed 17576681 (cited by Labcorp Genetics (formerly Invitae), Labcorp); PubMed 9536098 (cited by Labcorp Genetics (formerly Invitae), Labcorp).